The following is an entry in ClinVar:

ClinVar aggregate classification (germline): Likely benign. Review status: criteria provided, multiple submitters, no conflicts (2 of 4 stars). 3 submissions from 3 submitters: Likely benign (3). Last evaluated 2024-09-22.

Conditions:
Hypokalemic periodic paralysis, type 1. Also called: HypoPP; Hypokalemic Periodic Paralysis Type 1 (AD). Identifiers: Orphanet 681, MedGen C3714580, MONDO:0042979, OMIM 170400.
Malignant hyperthermia, susceptibility to, 5 (MHS5). Also called: CACNA1S-Related Malignant Hyperthermia Susceptibility. Identifiers: Orphanet 423, MedGen C1866077, MONDO:0011163, OMIM 601887.

Allele frequency attached by ClinVar (database versions not stated): gnomAD exomes below 0.00001 and 0.00001; TOPMed 0.00001; gnomAD 0.00001.
gnomAD v4.1: 12 of 1,613,166 alleles (0.00074%); highest among the groups gnomAD compares: Admixed American, 0.0017%; no homozygotes.

Submissions (3):

Labcorp Genetics (formerly Invitae), Labcorp
Classification: Likely benign for Hypokalemic periodic paralysis, type 1; Malignant hyperthermia, susceptibility to, 5. Last evaluated: 2024-09-22. Review status: criteria provided, single submitter. Criteria: Invitae Variant Classification Sherloc (09022015). Collection method: clinical testing. Allele origin: germline.

All of Us Research Program, National Institutes of Health
Classification: Likely benign for Malignant hyperthermia, susceptibility to, 5. Last evaluated: 2023-11-20. Review status: criteria provided, single submitter. Criteria: ACMG Guidelines, 2015. Collection method: clinical testing. Allele origin: germline. Inheritance: Autosomal dominant inheritance. Observed: 3 variant alleles, 3 heterozygotes.
Comment: This study involves interpretation of variants in research participants for the purpose of population health screening. Participant phenotype was not available at the time of variant classification. Additional details can be found in publication PMID: 35346344, PMCID: PMC8962531

Color Diagnostics, LLC DBA Color Health
Classification: Likely benign for Malignant hyperthermia, susceptibility to, 5. Last evaluated: 2022-11-06. Review status: criteria provided, single submitter. Criteria: ACMG Guidelines, 2015. Collection method: clinical testing. Allele origin: germline.

NM_000069.3(CACNA1S):c.4704C>T (p.Pro1568=)

Gene: CACNA1S (calcium voltage-gated channel subunit alpha1 S; minus strand). Cytogenetic location: 1q32.1.
Variant type: single nucleotide variant.
Coding change: c.4704C>T on transcript NM_000069.3 (MANE Select); coding-DNA position 4704, C replaced by T.
Protein change: p.Pro1568=; no amino-acid change (proline 1568 retained).
Molecular consequence: synonymous variant.
Genome position (GRCh38, 1-based): chr1:201,044,421, G>A on the plus strand (C>T on the coding strand, the complement: CACNA1S is on the minus strand). VCF-style: chr1-201044421-G-A. GRCh37 (hg19) VCF-style: chr1-201013549-G-A.
Identifiers: ClinVar variation 740887 (VCV000740887.11), dbSNP rs1451944290, ClinGen allele CA422716571.